The following is an entry in ClinVar:

NM_001130987.2(DYSF):c.6321+15C>T

Gene: DYSF (dysferlin; plus strand). Cytogenetic location: 2p13.2.
Variant type: single nucleotide variant.
Coding change: c.6321+15C>T on transcript NM_001130987.2 (MANE Select); 15 bases into the intron after coding-DNA position 6321, C replaced by T.
Molecular consequence: intron variant.
Genome position (GRCh38, 1-based): chr2:71,682,692, C>T. VCF-style: chr2-71682692-C-T. GRCh37 (hg19) VCF-style: chr2-71909822-C-T.
Other names: c.6297+15C>T (NM_001130979.2); c.6318+15C>T (NM_001130981.2); c.6255+15C>T (NM_001130980.2); c.6267+15C>T (NM_001130978.2); c.6204+15C>T (NM_003494.4); c.6225+15C>T (NM_001130977.2); c.6162+15C>T (NM_001130976.2); c.6300+15C>T (NM_001130982.2); and 5 more.
Identifiers: ClinVar variation 94354 (VCV000094354.31), dbSNP rs2559082, ClinGen allele CA147774.

ClinVar aggregate classification (germline): Benign/Likely benign. Review status: criteria provided, multiple submitters, no conflicts (2 of 4 stars). 14 submissions from 12 submitters: Benign (11); Likely benign (1). 2 of the submissions do not count toward it. Last evaluated 2026-03-15.

Conditions:
Neuromuscular disease caused by qualitative or quantitative defects of dysferlin. Also called: Qualitative or quantitative defects of dysferlin; Dysferlinopathy. Identifiers: Orphanet 207073, MedGen C2931687, MONDO:0016145.
Miyoshi muscular dystrophy 1 (MMD1). Identifiers: Orphanet 45448, MedGen C4551973, MONDO:0024545, OMIM 254130.
Autosomal recessive limb-girdle muscular dystrophy type 2B (LGMDR2). Also called: MUSCULAR DYSTROPHY, LIMB-GIRDLE, TYPE 3; Limb-girdle muscular dystrophy, type 2B; Limb-Girdle Muscular Dystrophy Type 2B (LGMD2B); MUSCULAR DYSTROPHY, LIMB-GIRDLE, AUTOSOMAL RECESSIVE 2. Identifiers: Orphanet 268, MedGen C1850889, MONDO:0009676, OMIM 253601.
Distal myopathy with anterior tibial onset. Identifiers: Orphanet 178400, MedGen C1847532, MONDO:0011721, OMIM 606768.

Allele frequency attached by ClinVar (database versions not stated): 1000 Genomes Project 30x 0.16349; 1000 Genomes Project 0.16414; TOPMed 0.17796; gnomAD 0.19406 and 0.19470; ESP Exome Variant Server 0.19509; gnomAD exomes 0.20051 and 0.21720; ExAC 0.23066.
gnomAD v4.1: 345,702 of 1,611,110 alleles (21%); highest among the groups gnomAD compares: South Asian, 23%; 38,726 homozygotes.

Submissions (14):

Women's Health and Genetics/Laboratory Corporation of America, LabCorp
Classification: Benign. Last evaluated: 2026-03-15. Review status: criteria provided, single submitter. Criteria: LabCorp Variant Classification Summary - May 2015. Collection method: clinical testing. Allele origin: germline.

Labcorp Genetics (formerly Invitae), Labcorp
Classification: Benign for Neuromuscular disease caused by qualitative or quantitative defects of dysferlin. Last evaluated: 2026-02-04. Review status: criteria provided, single submitter. Criteria: Invitae Variant Classification Sherloc (09022015). Collection method: clinical testing. Allele origin: germline.

Blueprint Genetics
Classification: Benign. Last evaluated: 2024-11-26. Review status: criteria provided, single submitter. Criteria: ACMG Guidelines, 2015. Collection method: clinical testing. Allele origin: germline.

Genome-Nilou Lab
Classification: Benign for Autosomal recessive limb-girdle muscular dystrophy type 2B. Last evaluated: 2021-07-30. Review status: criteria provided, single submitter. Criteria: ACMG Guidelines, 2015. Collection method: clinical testing. Allele origin: germline. Affected: no.

Genome-Nilou Lab
Classification: Benign for Distal myopathy with anterior tibial onset. Last evaluated: 2021-07-30. Review status: criteria provided, single submitter. Criteria: ACMG Guidelines, 2015. Collection method: clinical testing. Allele origin: germline. Affected: no.

Genome-Nilou Lab
Classification: Benign for Miyoshi muscular dystrophy 1. Last evaluated: 2021-06-10. Review status: criteria provided, single submitter. Criteria: ACMG Guidelines, 2015. Collection method: clinical testing. Allele origin: germline. Affected: no.

Illumina Laboratory Services, Illumina
Classification: Benign for Qualitative or quantitative defects of dysferlin. Last evaluated: 2018-01-13. Review status: criteria provided, single submitter. Criteria: ICSL Variant Classification Criteria 13 December 2019. Collection method: clinical testing. Allele origin: germline.
Comment: This variant was observed in the ICSL laboratory as part of a predisposition screen in an ostensibly healthy population. It had not been previously curated by ICSL or reported in the Human Gene Mutation Database (HGMD: prior to June 1st, 2018), and was therefore a candidate for classification through an automated scoring system. Utilizing variant allele frequency, disease prevalence and penetrance estimates, and inheritance mode, an automated score was calculated to assess if this variant is too frequent to cause the disease. Based on the score and internal cut-off values, a variant classified as benign is not then subjected to further curation. The score for this variant resulted in a classification of benign for this disease.

GeneDx
Classification: Benign. Last evaluated: 2016-01-05. Review status: criteria provided, single submitter. Criteria: GeneDx Variant Classification (06012015). Collection method: clinical testing. Allele origin: germline. Affected: yes.
Comment: This variant is considered likely benign or benign based on one or more of the following criteria: it is a conservative change, it occurs at a poorly conserved position in the protein, it is predicted to be benign by multiple in silico algorithms, and/or has population frequency not consistent with disease.

Laboratory for Molecular Medicine, Mass General Brigham Personalized Medicine
Classification: Benign. Last evaluated: 2015-01-13. Review status: criteria provided, single submitter. Criteria: LMM Criteria. Collection method: clinical testing. Allele origin: germline. Observed: 3 variant alleles.
Comment: c.6321+15C>T in intron 55 of DYSF: This variant is not expected to have clinical significance because it is not located within the conserved splice consensus se quence. It has been identified in 22.9% (1966/8598) of European American chromos omes from a broad population by the NHLBI Exome Sequencing Project (s.; dbSNP rs2559082).

Eurofins Ntd Llc (ga)
Classification: Benign. Last evaluated: 2013-09-19. Review status: criteria provided, single submitter. Criteria: EGL Classification Definitions 2015. Collection method: clinical testing. Allele origin: germline. Observed: 79 variant alleles, 68 heterozygotes, 11 homozygotes.

Breakthrough Genomics
Classification: Likely benign. Review status: criteria provided, single submitter. Criteria: ACMG Guidelines, 2015. Collection method: not provided. Allele origin: germline. Inheritance: Autosomal recessive inheritance. Affected: yes.

PreventionGenetics, part of Exact Sciences
Classification: Benign. Review status: criteria provided, single submitter. Criteria: ACMG Guidelines, 2015. Collection method: clinical testing. Allele origin: germline.

Clinical Genetics, Academic Medical Center
Classification: Benign. Review status: no assertion criteria provided. Collection method: clinical testing. Allele origin: germline. Affected: yes. Study: VKGL Data-share Consensus. Not counted in ClinVar's aggregate classification.

Joint Genome Diagnostic Labs from Nijmegen and Maastricht, Radboudumc and MUMC+
Classification: Benign. Review status: no assertion criteria provided. Collection method: clinical testing. Allele origin: germline. Affected: yes. Study: VKGL Data-share Consensus. Not counted in ClinVar's aggregate classification.